The following is an entry in ClinVar:

NM_019032.6(ADAMTSL4):c.2236C>T (p.Arg746Cys)

Gene: ADAMTSL4 (ADAMTS like 4; plus strand). Cytogenetic location: 1q21.2.
Variant type: single nucleotide variant.
Coding change: c.2236C>T on transcript NM_019032.6 (MANE Select); coding-DNA position 2236, C replaced by T.
Protein change: p.Arg746Cys; replaces arginine 746 with cysteine.
Molecular consequence: missense variant.
Genome position (GRCh38, 1-based): chr1:150,558,003, C>T. VCF-style: chr1-150558003-C-T. GRCh37 (hg19) VCF-style: chr1-150530479-C-T.
Other names: c.2236C>T (NM_019032.5); c.2119C>T, p.Arg707Cys (NM_001288607.2); c.2305C>T, p.Arg769Cys (NM_001288608.2); c.2236C>T, p.Arg746Cys (NM_001378596.1, NM_025008.5); short protein forms R707C, R746C, R769C.
Identifiers: ClinVar variation 875326 (VCV000875326.17), dbSNP rs751676813, ClinGen allele CA1078592.

ClinVar aggregate classification (germline): Conflicting classifications of pathogenicity. Review status: criteria provided, conflicting classifications (1 of 4 stars). 10 submissions from 9 submitters: Pathogenic (3); Likely pathogenic (3); Uncertain significance (4). Last evaluated 2026-03-01.

Conditions:
Ectopia lentis et pupillae. Also called: ECTOPIA LENTIS WITH ECTOPIA OF PUPIL. Identifiers: Orphanet 1885, MedGen C1644196, MONDO:0009153, OMIM 225200.
Ectopia lentis 2, isolated, autosomal recessive (ECTOL2). Identifiers: Orphanet 1885, MedGen C3541474, MONDO:0009152, OMIM 225100.
ADAMTSL4-related disorder. Also called: ADAMTSL4-related condition; ADAMTSL4-Related Disorders.

Allele frequency attached by ClinVar (database versions not stated): ExAC 0.00005; gnomAD 0.00005 and 0.00006; gnomAD exomes 0.00005 and 0.00009; TOPMed 0.00005.
gnomAD v4.1: 140 of 1,612,136 alleles (0.0087%); highest among the groups gnomAD compares: Admixed American, 0.013%; no homozygotes.

Submissions (10):

Victorian Clinical Genetics Services, Murdoch Childrens Research Institute
Classification: Pathogenic for Ectopia lentis 2, isolated, autosomal recessive. Last evaluated: 2026-03-01. Review status: criteria provided, single submitter. Criteria: ACMG Guidelines, 2015. Collection method: clinical testing. Allele origin: germline. Affected: yes.
Comment: This variant is classified as Pathogenic. Evidence in support of pathogenic classification: Variant is present in gnomAD <0.01 for a recessive condition (v4: 140 heterozygote(s), 0 homozygote(s)); This variant has strong previous evidence of pathogenicity in unrelated individuals. This variant has been classified as a VUS and as likely pathogenic/pathogenic by multiple clinical laboratories in ClinVar. The variant has also been reported in the literature in multiple unrelated compound heterozygous individuals with ectopis lentis et pupillae and isolated ectopis lentis (PMIDs: 35042684, 37107549, 36208099, 41243720); Another missense variant(s) comparable to the one identified in this case has moderate previous evidence for pathogenicity. p.(Arg746His) has been classified as pathogenic by a clinical laboratory in ClinVar. This variant has been reported multiple times in the literature as a Polynesian founder variant, and in unrelated compound heterozygous individuals with ADAMTSL4-related ocular disease (PMIDs: 28394649, 41243720); Missense variant predicted to be damaging by in silico tool(s) or highly conserved with a major amino acid change. Additional information: Variant is predicted to result in a missense amino acid change from Arg to Cys; This variant is homozygous; This gene is associated with autosomal recessive disease; Alternative amino acid change(s) at the same position are present in gnomAD (highest allele count: v4: 19 heterozygote(s), 0 homozygote(s)); No published functional evidence has been identified for this variant; Variant is located in the annotated thrombospondin type 1 domain (DECIPHER). - Loss of function is a known mechanism of disease in this gene and is associated with ectopia lentis et pupillae (MIM#225200), isolated ectopia lentis (MIM#225100) and craniosynostosis with ectopia lentis (MONDO:0011347; PMID: 35378950); Variants in this gene are known to have variable expressivity. Phenotype may vary significantly among patients, even within the same family (PMID: 22338190); Inheritance information for this variant is not currently available in this individual.

Labcorp Genetics (formerly Invitae), Labcorp
Classification: Pathogenic. Last evaluated: 2025-10-06. Review status: criteria provided, single submitter. Criteria: Invitae Variant Classification Sherloc (09022015). Collection method: clinical testing. Allele origin: germline.
Comment: This sequence change replaces arginine, which is basic and polar, with cysteine, which is neutral and slightly polar, at codon 746 of the ADAMTSL4 protein (p.Arg746Cys). This variant is present in population databases (rs751676813, gnomAD 0.01%). This missense change has been observed in individual(s) with ectopia lentis (PMID: 36208099). In at least one individual the data is consistent with being in trans (on the opposite chromosome) from a pathogenic variant. ClinVar contains an entry for this variant (Variation ID: 875326). Invitae Evidence Modeling of protein sequence and biophysical properties (such as structural, functional, and spatial information, amino acid conservation, physicochemical variation, residue mobility, and thermodynamic stability) has been performed for this missense variant. However, the output from this modeling did not meet the statistical confidence thresholds required to predict the impact of this variant on ADAMTSL4 protein function. This variant disrupts the p.Arg746 amino acid residue in ADAMTSL4. Other variant(s) that disrupt this residue have been determined to be pathogenic (PMID: 25975359, 28394649; internal data). This suggests that this residue is clinically significant, and that variants that disrupt this residue are likely to be disease-causing. For these reasons, this variant has been classified as Pathogenic.

3billion
Classification: Likely pathogenic for Ectopia lentis 2, isolated, autosomal recessive. Last evaluated: 2025-10-02. Review status: criteria provided, single submitter. Criteria: ACMG Guidelines, 2015. Collection method: clinical testing. Allele origin: germline. Affected: yes.
Comment: The variant is observed at an extremely low frequency in the gnomAD v4.1.0 dataset (total allele frequency: 0.009%). Predicted Consequence/Location: Missense variant. The majority of the known disease-causing variants of this gene are variants expected to result in premature termination of the protein. In silico tool predictions suggest damaging effect of the variant on gene or gene product [REVEL: 0.71 (>=0.6, sensitivity 0.68 and specificity 0.92)]. The same nucleotide change resulting in the same amino acid change has been previously reported as pathogenic/likely pathogenic with strong evidence (ClinVar ID: VCV000875326 /PMID: 35042684). A different missense change at the same codon (p.Arg746His) has been reported to be associated with ADAMTSL4-related disorder (ClinVar ID: VCV001457756 /PMID: 25975359). Therefore, this variant is classified as Likely pathogenic according to the recommendation of ACMG/AMP guideline.

GeneDx
Classification: Likely pathogenic. Last evaluated: 2024-10-30. Review status: criteria provided, single submitter. Criteria: GeneDx Variant Classification Process June 2021. Collection method: clinical testing. Allele origin: germline. Affected: yes.
Comment: In silico analysis supports that this missense variant has a deleterious effect on protein structure/function; This variant is associated with the following publications: (PMID: 36208099, 35042684, 37107549)

Women's Health and Genetics/Laboratory Corporation of America, LabCorp
Classification: Likely pathogenic for ADAMTSL4-Related Disorders. Last evaluated: 2024-08-13. Review status: criteria provided, single submitter. Criteria: LabCorp Variant Classification Summary - May 2015. Collection method: clinical testing. Allele origin: germline.
Comment: Variant summary: ADAMTSL4 c.2236C>T (p.Arg746Cys) results in a non-conservative amino acid change in the encoded protein sequence. Five of five in-silico tools predict a damaging effect of the variant on protein function. The variant allele was found at a frequency of 4.9e-05 in 244482 control chromosomes (gnomAD). This frequency is not significantly higher than estimated for a pathogenic variant in ADAMTSL4 causing ADAMTSL4-Related Disorders, allowing no conclusion about variant significance. c.2236C>T has been reported in the literature in individuals affected with Ectopia lentis (Lenassi_2020, Guo_2023, Musleh_2023). These data indicate that the variant may be associated with disease. A different variant affecting the same codon has been determined to be pathogenic by our lab (c.2237G>A, p.Arg746His), supporting the critical relevance of codon 746 to ADAMTSL4 protein function. To our knowledge, no experimental evidence demonstrating an impact on protein function has been reported. The following publications have been ascertained in the context of this evaluation (PMID: 35042684, 37107549, 31848469). ClinVar contains an entry for this variant (Variation ID: 875326). Based on the evidence outlined above, the variant was classified as likely pathogenic.

Genomic Medicine Center of Excellence, King Faisal Specialist Hospital and Research Centre
Classification: Uncertain significance for Ectopia lentis 2, isolated, autosomal recessive. Last evaluated: 2024-03-25. Review status: criteria provided, single submitter. Criteria: ACMG Guidelines, 2015. Collection method: clinical testing. Allele origin: germline.

Genome-Nilou Lab
Classification: Uncertain significance for Ectopia lentis et pupillae. Last evaluated: 2023-04-11. Review status: criteria provided, single submitter. Criteria: ACMG Guidelines, 2015. Collection method: clinical testing. Allele origin: germline. Affected: no.

Genome-Nilou Lab
Classification: Uncertain significance for Ectopia lentis 2, isolated, autosomal recessive. Last evaluated: 2023-04-11. Review status: criteria provided, single submitter. Criteria: ACMG Guidelines, 2015. Collection method: clinical testing. Allele origin: germline. Affected: no.

Blueprint Genetics
Classification: Pathogenic for ADAMTSL4-related disorders. Last evaluated: 2023-03-31. Review status: criteria provided, single submitter. Criteria: ACMG Guidelines, 2015. Collection method: clinical testing. Allele origin: germline. Affected: yes. Observed: 5 variant alleles.

Illumina Laboratory Services, Illumina
Classification: Uncertain significance for Ectopia lentis 2, isolated, autosomal recessive. Last evaluated: 2018-01-13. Review status: criteria provided, single submitter. Criteria: ICSL Variant Classification Criteria 13 December 2019. Collection method: clinical testing. Allele origin: germline.

Literature cited by the submitters: PubMed 37107549 (cited by Victorian Clinical Genetics Services, Murdoch Childrens Research Institute and Women's Health and Genetics/Laboratory Corporation of America, LabCorp); PubMed 36208099 (cited by Victorian Clinical Genetics Services, Murdoch Childrens Research Institute and Labcorp Genetics (formerly Invitae), Labcorp); PubMed 35042684 (cited by 3 submitters); PubMed 22338190 (cited by Victorian Clinical Genetics Services, Murdoch Childrens Research Institute); PubMed 41243720 (cited by Victorian Clinical Genetics Services, Murdoch Childrens Research Institute); PubMed 28394649 (cited by Victorian Clinical Genetics Services, Murdoch Childrens Research Institute and Labcorp Genetics (formerly Invitae), Labcorp); PubMed 35378950 (cited by Victorian Clinical Genetics Services, Murdoch Childrens Research Institute); PubMed 25975359 (cited by Labcorp Genetics (formerly Invitae), Labcorp and 3billion); PubMed 31848469 (cited by Women's Health and Genetics/Laboratory Corporation of America, LabCorp).